The following is an entry in ClinVar:

ClinVar aggregate classification (germline): Uncertain significance. Review status: criteria provided, multiple submitters, no conflicts (2 of 4 stars). 2 submissions from 2 submitters: Uncertain significance (2). Last evaluated 2025-10-06.

Allele frequency attached by ClinVar (database versions not stated): gnomAD exomes below 0.00001.
gnomAD v4.1: 1 of 1,605,984 alleles (0.000062%); highest among the groups gnomAD compares: Non-Finnish European, 0.000085%; no homozygotes.

Submissions (2):

Labcorp Genetics (formerly Invitae), Labcorp
Classification: Uncertain significance. Last evaluated: 2025-10-06. Review status: criteria provided, single submitter. Criteria: Invitae Variant Classification Sherloc (09022015). Collection method: clinical testing. Allele origin: germline.
Comment: This sequence change replaces methionine, which is neutral and non-polar, with leucine, which is neutral and non-polar, at codon 402 of the TAOK2 protein (p.Met402Leu). This variant is present in population databases (rs377201939, gnomAD no frequency). This variant has not been reported in the literature in individuals affected with TAOK2-related conditions. ClinVar contains an entry for this variant (Variation ID: 1718540). An algorithm developed to predict the effect of missense changes on protein structure and function (PolyPhen-2) suggests that this variant is likely to be tolerated. In summary, the available evidence is currently insufficient to determine the role of this variant in disease. Therefore, it has been classified as a Variant of Uncertain Significance.

Ambry Genetics
Classification: Uncertain significance. Last evaluated: 2023-02-28. Review status: criteria provided, single submitter. Criteria: Ambry Variant Classification Scheme 2023. Collection method: clinical testing. Allele origin: germline.

NM_016151.4(TAOK2):c.1204A>T (p.Met402Leu)

Gene: TAOK2 (TAO kinase 2; plus strand). Cytogenetic location: 16p11.2.
Variant type: single nucleotide variant.
Coding change: c.1204A>T on transcript NM_016151.4 (MANE Select); coding-DNA position 1204, A replaced by T.
Protein change: p.Met402Leu; replaces methionine 402 with leucine.
Molecular consequence: missense variant.
Genome position (GRCh38, 1-based): chr16:29,983,276, A>T. VCF-style: chr16-29983276-A-T. GRCh37 (hg19) VCF-style: chr16-29994597-A-T.
Other names: c.1204A>T (NM_016151.2); c.1204A>T, p.Met402Leu (NM_001252043.2, NM_004783.4); short protein forms M402L.
Identifiers: ClinVar variation 1718540 (VCV001718540.7), dbSNP rs377201939, ClinGen allele CA280394852.